The following is an entry in ClinVar:

ClinVar aggregate classification (germline): Uncertain significance (1 of 4 stars; one submission).

Submission:

GeneDx
Classification: Uncertain significance. Last evaluated: 2025-02-07. Review status: criteria provided, single submitter. Criteria: GeneDx Variant Classification Process June 2021. Collection method: clinical testing. Allele origin: germline. Affected: yes.
Comment: Not observed at significant frequency in large population cohorts (gnomAD); Frameshift variant predicted to result in abnormal protein length as the last 10 amino acids are replaced with 58 different amino acids; Has not been previously published as pathogenic or benign to our knowledge

NM_006445.4(PRPF8):c.6976dup (p.Tyr2326fs)

Gene: PRPF8 (pre-mRNA processing factor 8; minus strand). Cytogenetic location: 17p13.3.
Variant type: Duplication.
Coding change: c.6976dup on transcript NM_006445.4 (MANE Select); coding-DNA position 6976, one base duplicated (T; older notation c.6976dupT).
Protein change: p.Tyr2326fs; shifts the reading frame from tyrosine 2326.
Molecular consequence: frameshift variant.
Genome position (GRCh38, 1-based): chr17:1,650,834, A duplicated on the plus strand (T on the coding strand, the reverse complement: PRPF8 is on the minus strand); the first of 3 consecutive A bases (chr17:1,650,834-1,650,836); duplicating any one gives the same sequence. VCF-style (leftmost placement, unchanged base first): chr17-1650833-T-TA. GRCh37 (hg19) VCF-style: chr17-1554127-T-TA.
Other names: short protein forms Y2326fs.
Identifiers: ClinVar variation 4074704 (VCV004074704.1).